The following is an entry in ClinVar:

ClinVar aggregate classification (germline): Likely benign (1 of 4 stars; one submission).

Conditions:
EPPK1-related disorder. Also called: EPPK1-related condition.

Allele frequency attached by ClinVar (database versions not stated): gnomAD exomes 0.00302.

Submission:

PreventionGenetics, part of Exact Sciences
Classification: Likely benign for EPPK1-related condition. Last evaluated: 2021-04-27. Review status: criteria provided, single submitter. Criteria: ACMG Guidelines, 2015. Collection method: clinical testing. Allele origin: germline.
Comment: This variant is classified as likely benign based on ACMG/AMP sequence variant interpretation guidelines (Richards et al. 2015 PMID: 25741868, with internal and published modifications).

NM_031308.4(EPPK1):c.7155C>T (p.Gly2385=)

Gene: EPPK1 (epiplakin 1; minus strand). Cytogenetic location: 8q24.3.
Variant type: single nucleotide variant.
Coding change: c.7155C>T on transcript NM_031308.4 (MANE Select); coding-DNA position 7155, C replaced by T.
Protein change: p.Gly2385=; no amino-acid change (glycine 2385 retained).
Molecular consequence: synonymous variant.
Genome position (GRCh38, 1-based): chr8:143,866,099, G>A on the plus strand (C>T on the coding strand, the complement: EPPK1 is on the minus strand). VCF-style: chr8-143866099-G-A.
Identifiers: ClinVar variation 3034690 (VCV003034690.1), dbSNP rs1205051619, ClinGen allele CA848823994.